The following is an entry in ClinVar:

ClinVar aggregate classification (germline): Uncertain significance. Review status: criteria provided, multiple submitters, no conflicts (2 of 4 stars). 2 submissions from 2 submitters: Uncertain significance (2). Last evaluated 2025-09-18.

Conditions:
Arrhythmogenic right ventricular dysplasia 8 (ARVD8). Also called: Arrhythmogenic Right Ventricular Dysplasia/Cardiomyopathy 8; ARRHYTHMOGENIC RIGHT VENTRICULAR DYSPLASIA, FAMILIAL, 8; ARRHYTHMOGENIC RIGHT VENTRICULAR CARDIOMYOPATHY 8. Identifiers: MedGen C1843896, MONDO:0011831, OMIM 607450.
Arrhythmogenic cardiomyopathy with wooly hair and keratoderma. Also called: PALMOPLANTAR KERATODERMA WITH LEFT VENTRICULAR CARDIOMYOPATHY AND WOOLLY HAIR; Carvajal syndrome; Dilated cardiomyopathy with woolly hair and keratoderma; Arrhythmogenic cardiomyopathy with woolly hair and keratoderma. Identifiers: Orphanet 65282, MedGen C1854063, MONDO:0011581, OMIM 605676.
Cardiomyopathy (CMYO). Also called: Cardiomyopathies. Identifiers: Orphanet 167848, MedGen C0878544, MONDO:0004994, HP:0001638. Inheritance: Various modes of inheritance.

Allele frequency attached by ClinVar (database versions not stated): TOPMed below 0.00001; gnomAD 0.00001.
gnomAD v4.1: 2 of 1,614,100 alleles (0.00012%); highest among the groups gnomAD compares: Non-Finnish European, 0.00017%; no homozygotes.

Submissions (2):

Color Diagnostics, LLC DBA Color Health
Classification: Uncertain significance for Cardiomyopathy. Last evaluated: 2025-09-18. Review status: criteria provided, single submitter. Criteria: ACMG Guidelines, 2015. Collection method: clinical testing. Allele origin: germline.
Comment: This missense variant replaces methionine with leucine at codon 668 of the DSP protein. Computational prediction suggests that this variant may not impact protein structure and function. To our knowledge, functional studies have not been reported for this variant. This variant has not been reported in individuals affected with DSP-related disorders in the literature. This variant has not been identified in the general population by the Genome Aggregation Database (gnomAD). The available evidence is insufficient to determine the role of this variant in disease conclusively. Therefore, this variant is classified as a Variant of Uncertain Significance.

Labcorp Genetics (formerly Invitae), Labcorp
Classification: Uncertain significance for Arrhythmogenic cardiomyopathy with wooly hair and keratoderma; Arrhythmogenic right ventricular dysplasia 8. Last evaluated: 2024-03-30. Review status: criteria provided, single submitter. Criteria: Invitae Variant Classification Sherloc (09022015). Collection method: clinical testing. Allele origin: germline.
Comment: This sequence change replaces methionine, which is neutral and non-polar, with leucine, which is neutral and non-polar, at codon 668 of the DSP protein (p.Met668Leu). This variant is not present in population databases (gnomAD no frequency). This variant has not been reported in the literature in individuals affected with DSP-related conditions. ClinVar contains an entry for this variant (Variation ID: 2169196). Algorithms developed to predict the effect of missense changes on protein structure and function output the following: SIFT: "Not Available"; PolyPhen-2: "Benign"; Align-GVGD: "Not Available". The leucine amino acid residue is found in multiple mammalian species, which suggests that this missense change does not adversely affect protein function. In summary, the available evidence is currently insufficient to determine the role of this variant in disease. Therefore, it has been classified as a Variant of Uncertain Significance.

NM_004415.4(DSP):c.2002A>T (p.Met668Leu)

Gene: DSP (desmoplakin; plus strand). Cytogenetic location: 6p24.3.
Variant type: single nucleotide variant.
Coding change: c.2002A>T on transcript NM_004415.4 (MANE Select); coding-DNA position 2002, A replaced by T.
Protein change: p.Met668Leu; replaces methionine 668 with leucine.
Molecular consequence: missense variant.
Genome position (GRCh38, 1-based): chr6:7,571,940, A>T. VCF-style: chr6-7571940-A-T. GRCh37 (hg19) VCF-style: chr6-7572173-A-T.
Other names: c.2002A>T, p.Met668Leu (NM_001008844.3, NM_001319034.2); short protein forms M668L.
Identifiers: ClinVar variation 2169196 (VCV002169196.5), dbSNP rs763652996, ClinGen allele CA362680340.
Genomic context (GRCh38, chr6:7,571,940, plus strand): 5'-GATGTCAACCATAATAAAGTAATTGAAACCAACAGAGAAAATGACAAGCAAGAAACATGG[A>T]TGCTGATGGAGCTGCAGAAGATTCGCAGGCAGATAGAGCACTGCGAGGGCAGGATGACTC-3'
Protein context (NP_004406.2, residues 658-678): NRENDKQETW[Met668Leu]LMELQKIRRQ